The following is an entry in ClinVar:

ClinVar aggregate classification (germline): Uncertain significance (1 of 4 stars; one submission).

gnomAD v4.1: 37 of 1,613,824 alleles (0.0023%); highest among the groups gnomAD compares: Admixed American, 0.0033%; no homozygotes.

Submission:

Labcorp Genetics (formerly Invitae), Labcorp
Classification: Uncertain significance. Last evaluated: 2023-11-27. Review status: criteria provided, single submitter. Criteria: Invitae Variant Classification Sherloc (09022015). Collection method: clinical testing. Allele origin: germline.
Comment: This sequence change replaces arginine, which is basic and polar, with tryptophan, which is neutral and slightly polar, at codon 256 of the GNB3 protein (p.Arg256Trp). This variant is present in population databases (rs782167184, gnomAD 0.004%). This variant has not been reported in the literature in individuals affected with GNB3-related conditions. Advanced modeling of protein sequence and biophysical properties (such as structural, functional, and spatial information, amino acid conservation, physicochemical variation, residue mobility, and thermodynamic stability) performed at Invitae indicates that this missense variant is expected to disrupt GNB3 protein function with a positive predictive value of 80%. In summary, the available evidence is currently insufficient to determine the role of this variant in disease. Therefore, it has been classified as a Variant of Uncertain Significance.

NM_002075.4(GNB3):c.766C>T (p.Arg256Trp)

Genes: CDCA3 (cell division cycle associated 3; minus strand), GNB3 (G protein subunit beta 3; plus strand). Cytogenetic location: 12p13.31.
Variant type: single nucleotide variant.
Coding change: c.766C>T on transcript NM_002075.4 (MANE Select); coding-DNA position 766, C replaced by T.
Protein change: p.Arg256Trp; replaces arginine 256 with tryptophan.
Molecular consequence: missense variant. On other transcripts: 3 prime UTR variant (1).
Genome position (GRCh38, 1-based): chr12:6,845,652, C>T. VCF-style: chr12-6845652-C-T. GRCh37 (hg19) VCF-style: chr12-6954816-C-T.
Other names: c.763C>T, p.Arg255Trp (NM_001297571.2); c.*1136G>A (NM_001297603.3); short protein forms R255W, R256W.
Identifiers: ClinVar variation 1468606 (VCV001468606.7), dbSNP rs782167184, ClinGen allele CA6417665.